The following is an entry in ClinVar:

NM_001193313.2(SUGCT):c.447C>T (p.Asp149=)

Gene: SUGCT (succinyl-CoA:glutarate-CoA transferase; plus strand). Cytogenetic location: 7p14.1.
Variant type: single nucleotide variant.
Coding change: c.447C>T on transcript NM_001193313.2 (MANE Select); coding-DNA position 447, C replaced by T.
Protein change: p.Asp149=; no amino-acid change (aspartic acid 149 retained).
Molecular consequence: synonymous variant. On other transcripts: intron variant (1).
Genome position (GRCh38, 1-based): chr7:40,195,023, C>T. VCF-style: chr7-40195023-C-T. GRCh37 (hg19) VCF-style: chr7-40234622-C-T.
Other names: c.447C>T, p.Asp149= (NM_001193311.2, NM_001193312.2); c.352-16C>T (NM_024728.3).
Identifiers: ClinVar variation 4693593 (VCV004693593.5).

ClinVar aggregate classification (germline): Likely benign. Review status: criteria provided, multiple submitters, no conflicts (2 of 4 stars). 2 submissions from 2 submitters: Likely benign (2). Last evaluated 2026-01-01.

gnomAD v4.1: 175 of 1,613,792 alleles (0.011%); highest among the groups gnomAD compares: Admixed American, 0.018%; no homozygotes.

Submissions (2):

CeGaT Center for Human Genetics Tuebingen
Classification: Likely benign. Last evaluated: 2026-01-01. Review status: criteria provided, single submitter. Criteria: CeGaT Center For Human Genetics Tuebingen Variant Classification Criteria Version 2. Collection method: clinical testing. Allele origin: germline. Affected: yes. Observed: 1 variant allele.
Comment: SUGCT: BP4, BP7

Labcorp Genetics (formerly Invitae), Labcorp
Classification: Likely benign. Last evaluated: 2025-12-29. Review status: criteria provided, single submitter. Criteria: Invitae Variant Classification Sherloc (09022015). Collection method: clinical testing. Allele origin: germline.